The following is an entry in ClinVar:

ClinVar aggregate classification (germline): Uncertain significance. Review status: criteria provided, multiple submitters, no conflicts (2 of 4 stars). 2 submissions from 2 submitters: Uncertain significance (2). Last evaluated 2022-03-29.

Conditions:
Catecholaminergic polymorphic ventricular tachycardia 1. Also called: VENTRICULAR TACHYCARDIA, CATECHOLAMINERGIC POLYMORPHIC, 1, WITH OR WITHOUT ATRIAL DYSFUNCTION AND/OR DILATED CARDIOMYOPATHY; VENTRICULAR TACHYCARDIA, STRESS-INDUCED POLYMORPHIC 1; RYR2-Related Catecholaminergic Polymorphic Ventricular Tachycardia. Identifiers: Orphanet 3286, MedGen C1631597, MONDO:0011484, OMIM 604772.

Allele frequency attached by ClinVar (database versions not stated): gnomAD exomes below 0.00001.
gnomAD v4.1: 1 of 1,517,928 alleles (0.000066%); highest among the groups gnomAD compares: Non-Finnish European, 0.000089%; no homozygotes.

Submissions (2):

Women's Health and Genetics/Laboratory Corporation of America, LabCorp
Classification: Uncertain significance. Last evaluated: 2022-03-29. Review status: criteria provided, single submitter. Criteria: LabCorp Variant Classification Summary - May 2015. Collection method: clinical testing. Allele origin: germline.
Comment: Variant summary: RYR2 c.2804T>C (p.Met935Thr) results in a non-conservative amino acid change in the encoded protein sequence. Five of five in-silico tools predict a damaging effect of the variant on protein function. The variant was absent in 182590 control chromosomes. The available data on variant occurrences in the general population are insufficient to allow any conclusion about variant significance. To our knowledge, no occurrence of c.2804T>C in individuals affected with Catecholaminergic Polymorphic Ventricular Tachycardia and no experimental evidence demonstrating its impact on protein function have been reported. One clinical diagnostic laboratory has submitted clinical-significance assessments for this variant to ClinVar after 2014 without evidence for independent evaluation. One laboratory classified the variant as uncertain significance. Based on the evidence outlined above, the variant was classified as uncertain significance.

Labcorp Genetics (formerly Invitae), Labcorp
Classification: Uncertain significance for Catecholaminergic polymorphic ventricular tachycardia 1. Last evaluated: 2018-01-23. Review status: criteria provided, single submitter. Criteria: Invitae Variant Classification Sherloc (09022015). Collection method: clinical testing. Allele origin: germline.
Comment: In summary, the available evidence is currently insufficient to determine the role of this variant in disease. Therefore, it has been classified as a Variant of Uncertain Significance. Algorithms developed to predict the effect of missense changes on protein structure and function do not agree on the potential impact of this missense change (SIFT: "Deleterious"; PolyPhen-2: "Benign"; Align-GVGD: "Class C65"). This variant has not been reported in the literature in individuals with RYR2-related disease. This variant is not present in population databases (ExAC no frequency). This sequence change replaces methionine with threonine at codon 935 of the RYR2 protein (p.Met935Thr). The methionine residue is highly conserved and there is a moderate physicochemical difference between methionine and threonine.

NM_001035.3(RYR2):c.2804T>C (p.Met935Thr)

Gene: RYR2 (ryanodine receptor 2; plus strand). Cytogenetic location: 1q43.
Variant type: single nucleotide variant.
Coding change: c.2804T>C on transcript NM_001035.3 (MANE Select); coding-DNA position 2804, T replaced by C.
Protein change: p.Met935Thr; replaces methionine 935 with threonine.
Molecular consequence: missense variant.
Genome position (GRCh38, 1-based): chr1:237,511,773, T>C. VCF-style: chr1-237511773-T-C. GRCh37 (hg19) VCF-style: chr1-237675073-T-C.
Other names: short protein forms M935T.
Identifiers: ClinVar variation 978514 (VCV000978514.11), dbSNP rs1665922680, ClinGen allele CA345383486.